The following is an entry in ClinVar:

ClinVar aggregate classification (germline): Uncertain significance (1 of 4 stars; one submission).

Allele frequency attached by ClinVar (database versions not stated): ExAC 0.00001.
gnomAD v4.1: 56 of 1,613,510 alleles (0.0035%); highest among the groups gnomAD compares: Non-Finnish European, 0.0047%; no homozygotes.

Submission:

Labcorp Genetics (formerly Invitae), Labcorp
Classification: Uncertain significance. Last evaluated: 2026-01-12. Review status: criteria provided, single submitter. Criteria: Invitae Variant Classification Sherloc (09022015). Collection method: clinical testing. Allele origin: germline.
Comment: This sequence change replaces proline, which is neutral and non-polar, with alanine, which is neutral and non-polar, at codon 633 of the FN1 protein (p.Pro633Ala). This variant is present in population databases (rs757611292, gnomAD 0.007%). This variant has not been reported in the literature in individuals affected with FN1-related conditions. ClinVar contains an entry for this variant (Variation ID: 1899180). An algorithm developed to predict the effect of missense changes on protein structure and function (PolyPhen-2) suggests that this variant is likely to be tolerated. In summary, the available evidence is currently insufficient to determine the role of this variant in disease. Therefore, it has been classified as a Variant of Uncertain Significance.

NM_212482.4(FN1):c.1897C>G (p.Pro633Ala)

Gene: FN1 (fibronectin 1; minus strand). Cytogenetic location: 2q35.
Variant type: single nucleotide variant.
Coding change: c.1897C>G on transcript NM_212482.4 (MANE Select); coding-DNA position 1897, C replaced by G.
Protein change: p.Pro633Ala; replaces proline 633 with alanine.
Molecular consequence: missense variant.
Genome position (GRCh38, 1-based): chr2:215,414,881, G>C on the plus strand (C>G on the coding strand, the complement: FN1 is on the minus strand). VCF-style: chr2-215414881-G-C. GRCh37 (hg19) VCF-style: chr2-216279604-G-C.
Other names: c.1897C>G, p.Pro633Ala (NM_001306129.2, NM_001306130.2, NM_001306131.2 and 14 more transcripts); short protein forms P633A.
Identifiers: ClinVar variation 1899180 (VCV001899180.5), dbSNP rs757611292, ClinGen allele CA2095136.